The following is an entry in ClinVar:

ClinVar aggregate classification (germline): Uncertain significance (1 of 4 stars; one submission).

Allele frequency attached by ClinVar (database versions not stated): ExAC 0.00002; gnomAD 0.00003.

Submission:

Labcorp Genetics (formerly Invitae), Labcorp
Classification: Uncertain significance. Last evaluated: 2022-04-15. Review status: criteria provided, single submitter. Criteria: Invitae Variant Classification Sherloc (09022015). Collection method: clinical testing. Allele origin: germline.
Comment: Algorithms developed to predict the effect of missense changes on protein structure and function are either unavailable or do not agree on the potential impact of this missense change (SIFT: "Deleterious"; PolyPhen-2: "Benign"; Align-GVGD: "Class C0"). This variant has not been reported in the literature in individuals affected with PDE6B-related conditions. This variant is present in population databases (rs756711483, gnomAD 0.008%). This sequence change replaces arginine, which is basic and polar, with leucine, which is neutral and non-polar, at codon 444 of the PDE6B protein (p.Arg444Leu). In summary, the available evidence is currently insufficient to determine the role of this variant in disease. Therefore, it has been classified as a Variant of Uncertain Significance.

NM_000283.4(PDE6B):c.1331G>T (p.Arg444Leu)

Gene: PDE6B (phosphodiesterase 6B; plus strand). Cytogenetic location: 4p16.3.
Variant type: single nucleotide variant.
Coding change: c.1331G>T on transcript NM_000283.4 (MANE Select); coding-DNA position 1331, G replaced by T.
Protein change: p.Arg444Leu; replaces arginine 444 with leucine.
Molecular consequence: missense variant.
Genome position (GRCh38, 1-based): chr4:657,424, G>T. VCF-style: chr4-657424-G-T. GRCh37 (hg19) VCF-style: chr4-651213-G-T.
Other names: c.1331G>T, p.Arg444Leu (NM_001145291.2); c.494G>T, p.Arg165Leu (NM_001145292.2, NM_001350154.3, NM_001379246.1 and 1 more transcripts); c.176G>T, p.Arg59Leu (NM_001350155.3); short protein forms R59L, R165L, R444L.
Identifiers: ClinVar variation 1915030 (VCV001915030.5), dbSNP rs756711483, ClinGen allele CA2794452.